The following is an entry in ClinVar:

NM_001261826.3(AP3D1):c.3175+10G>A

Gene: AP3D1 (adaptor related protein complex 3 subunit delta 1; minus strand). Cytogenetic location: 19p13.3.
Variant type: single nucleotide variant.
Coding change: c.3175+10G>A on transcript NM_001261826.3 (MANE Select); 10 bases into the intron after coding-DNA position 3175, G replaced by A.
Molecular consequence: intron variant.
Genome position (GRCh38, 1-based): chr19:2,110,697, C>T on the plus strand (G>A on the coding strand, the complement: AP3D1 is on the minus strand). VCF-style: chr19-2110697-C-T. GRCh37 (hg19) VCF-style: chr19-2110696-C-T.
Other names: c.2989+10G>A (NM_003938.8); c.3139+10G>A (NM_001374799.1).
Identifiers: ClinVar variation 4988039 (VCV004988039.1).

ClinVar aggregate classification (germline): Likely benign (1 of 4 stars; one submission).

Conditions:
AP3D1-related disorder. Also called: AP3D1-related condition.

gnomAD v4.1: 1 of 1,585,228 alleles (0.000063%); highest among the groups gnomAD compares: Non-Finnish European, 0.000086%; no homozygotes.

Submission:

PreventionGenetics, part of Exact Sciences
Classification: Likely benign for AP3D1-related condition. Last evaluated: 2026-08-11. Review status: criteria provided, single submitter. Criteria: ACMG Guidelines, 2015. Collection method: clinical testing. Allele origin: germline.
Comment: This variant is classified as likely benign based on ACMG/AMP sequence variant interpretation guidelines (Richards et al. 2015 PMID: 25741868, with internal and published modifications).